The following is an entry in ClinVar:

ClinVar aggregate classification (germline): Pathogenic (1 of 4 stars; one submission).

Submission:

Labcorp Genetics (formerly Invitae), Labcorp
Classification: Pathogenic. Last evaluated: 2024-09-20. Review status: criteria provided, single submitter. Criteria: Invitae Variant Classification Sherloc (09022015). Collection method: clinical testing. Allele origin: germline.
Comment: This sequence change creates a premature translational stop signal (p.Pro126Hisfs*12) in the TBC1D7 gene. It is expected to result in an absent or disrupted protein product. Loss-of-function variants in TBC1D7 are known to be pathogenic (PMID: 23687350, 24515783). This variant is not present in population databases (gnomAD no frequency). This variant has not been reported in the literature in individuals affected with TBC1D7-related conditions. For these reasons, this variant has been classified as Pathogenic.

Literature cited by the submitters: PubMed 23687350; PubMed 24515783.

NM_016495.6(TBC1D7):c.375del (p.Pro126fs)

Genes: TBC1D7 (TBC1 domain family member 7; minus strand), TBC1D7-LOC100130357 (TBC1D7-LOC100130357 readthrough; minus strand). Cytogenetic location: 6p24.1.
Variant type: Deletion.
Coding change: c.375del on transcript NM_016495.6 (MANE Select); coding-DNA position 375, one base deleted (T; older notation c.375delT).
Protein change: p.Pro126fs; shifts the reading frame from proline 126.
Molecular consequence: frameshift variant. On other transcripts: non-coding transcript variant (1).
Genome position (GRCh38, 1-based): chr6:13,320,914, A deleted on the plus strand (T on the coding strand, the reverse complement: TBC1D7 is on the minus strand); the first of 4 consecutive A bases (chr6:13,320,914-13,320,917); deleting any one gives the same sequence. VCF-style (leftmost placement, unchanged base first): chr6-13320913-GA-G. GRCh37 (hg19) VCF-style: chr6-13321145-GA-G.
Other names: c.375del, p.Pro126fs (NM_001318809.2, NM_001143964.4, NM_001143965.4 and 2 more transcripts); c.294del, p.Pro99fs (NM_001143966.4, NM_001318806.2); short protein forms P99fs, P126fs.
Identifiers: ClinVar variation 3691720 (VCV003691720.2).